The following is an entry in ClinVar:

NM_177438.3(DICER1):c.5154G>C (p.Lys1718Asn)

Gene: DICER1 (dicer 1, ribonuclease III; minus strand). Cytogenetic location: 14q32.13.
Variant type: single nucleotide variant.
Coding change: c.5154G>C on transcript NM_177438.3 (MANE Select); coding-DNA position 5154, G replaced by C.
Protein change: p.Lys1718Asn; replaces lysine 1718 with asparagine.
Molecular consequence: missense variant.
Genome position (GRCh38, 1-based): chr14:95,094,098, C>G on the plus strand (G>C on the coding strand, the complement: DICER1 is on the minus strand). VCF-style: chr14-95094098-C-G. GRCh37 (hg19) VCF-style: chr14-95560435-C-G.
Other names: c.5154G>C, p.Lys1718Asn (NM_001195573.1, NM_001271282.3, NM_001291628.2 and 1 more transcripts); short protein forms K1718N.
Identifiers: ClinVar variation 658595 (VCV000658595.16), dbSNP rs1595331111, ClinGen allele CA390865327.

ClinVar aggregate classification (germline): Uncertain significance. Review status: criteria provided, multiple submitters, no conflicts (2 of 4 stars). 2 submissions from 2 submitters: Uncertain significance (2). Last evaluated 2025-08-19.

Conditions:
DICER1-related tumor predisposition. Also called: DICER1 syndrome; DICER1-related pleuropulmonary blastoma cancer predisposition syndrome. Identifiers: Orphanet 284343, MedGen C3839822, MONDO:0100216.
Hereditary cancer-predisposing syndrome. Also called: Neoplastic Syndromes, Hereditary; Hereditary neoplastic syndrome; Hereditary Cancer Syndrome; Tumor predisposition. Identifiers: Orphanet 140162, MedGen C0027672, MeSH D009386, MONDO:0015356.

Submissions (2):

Labcorp Genetics (formerly Invitae), Labcorp
Classification: Uncertain significance for DICER1-related tumor predisposition. Last evaluated: 2025-08-19. Review status: criteria provided, single submitter. Criteria: Invitae Variant Classification Sherloc (09022015). Collection method: clinical testing. Allele origin: germline.
Comment: This sequence change replaces lysine, which is basic and polar, with asparagine, which is neutral and polar, at codon 1718 of the DICER1 protein (p.Lys1718Asn). This variant is not present in population databases (gnomAD no frequency). This variant has not been reported in the literature in individuals affected with DICER1-related conditions. ClinVar contains an entry for this variant (Variation ID: 658595). Invitae Evidence Modeling of protein sequence and biophysical properties (such as structural, functional, and spatial information, amino acid conservation, physicochemical variation, residue mobility, and thermodynamic stability) indicates that this missense variant is not expected to disrupt DICER1 protein function with a negative predictive value of 95%. In summary, the available evidence is currently insufficient to determine the role of this variant in disease. Therefore, it has been classified as a Variant of Uncertain Significance.

Ambry Genetics
Classification: Uncertain significance for Hereditary cancer-predisposing syndrome. Last evaluated: 2019-06-11. Review status: criteria provided, single submitter. Criteria: Ambry Variant Classification Scheme 2023. Collection method: clinical testing. Allele origin: germline.
Comment: The p.K1718N variant (also known as c.5154G>C), located in coding exon 23 of the DICER1 gene, results from a G to C substitution at nucleotide position 5154. The lysine at codon 1718 is replaced by asparagine, an amino acid with similar properties. This amino acid position is highly conserved in available vertebrate species. In addition, the in silico prediction for this alteration is inconclusive. Since supporting evidence is limited at this time, the clinical significance of this alteration remains unclear.